The following is an entry in ClinVar:

NM_002528.7(NTHL1):c.462C>G (p.Asp154Glu)

Gene: NTHL1 (nth like DNA glycosylase 1; minus strand). Cytogenetic location: 16p13.3.
Variant type: single nucleotide variant.
Coding change: c.462C>G on transcript NM_002528.7 (MANE Select); coding-DNA position 462, C replaced by G.
Protein change: p.Asp154Glu; replaces aspartic acid 154 with glutamic acid.
Molecular consequence: missense variant. On other transcripts: intron variant (1).
Genome position (GRCh38, 1-based): chr16:2,044,693, G>C on the plus strand (C>G on the coding strand, the complement: NTHL1 is on the minus strand). VCF-style: chr16-2044693-G-C. GRCh37 (hg19) VCF-style: chr16-2094694-G-C.
Other names: c.132C>G, p.Asp44Glu (NM_001318194.2); c.355-967C>G (NM_001318193.2); short protein forms D154E, D44E.
Identifiers: ClinVar variation 2783361 (VCV002783361.4), dbSNP rs2150942283, ClinGen allele CA394294258.
Genomic context (GRCh38, chr16:2,044,693, plus strand): 5'-CCAGAAACCGACGGGGTAGATGAGCTTGCCCAGCGTGGCATCATCTGTCTGCAGGATGCT[G>C]TCCACCGTCAGGCCCCGCGCCCGCAGTCGCTGCATGGCGCCCGCCGTCACCTGGTCTTTG-3'
Protein context (NP_002519.2, residues 144-164): QRLRARGLTV[Asp154Glu]SILQTDDATL

ClinVar aggregate classification (germline): Uncertain significance. Review status: criteria provided, multiple submitters, no conflicts (2 of 4 stars). 2 submissions from 2 submitters: Uncertain significance (2). Last evaluated 2024-03-15.

Submissions (2):

Blueprint Genetics
Classification: Uncertain significance. Last evaluated: 2024-03-15. Review status: criteria provided, single submitter. Criteria: ACMG Guidelines, 2015. Collection method: clinical testing. Allele origin: germline.

Labcorp Genetics (formerly Invitae), Labcorp
Classification: Uncertain significance. Last evaluated: 2023-05-07. Review status: criteria provided, single submitter. Criteria: Invitae Variant Classification Sherloc (09022015). Collection method: clinical testing. Allele origin: germline.
Comment: This sequence change replaces aspartic acid, which is acidic and polar, with glutamic acid, which is acidic and polar, at codon 162 of the NTHL1 protein (p.Asp162Glu). This variant is not present in population databases (gnomAD no frequency). This variant has not been reported in the literature in individuals affected with NTHL1-related conditions. Algorithms developed to predict the effect of missense changes on protein structure and function output the following: SIFT: "Not Available"; PolyPhen-2: "Benign"; Align-GVGD: "Not Available". The glutamic acid amino acid residue is found in multiple mammalian species, which suggests that this missense change does not adversely affect protein function. In summary, the available evidence is currently insufficient to determine the role of this variant in disease. Therefore, it has been classified as a Variant of Uncertain Significance.